The following is an entry in ClinVar:

NM_018116.4(MSTO1):c.22G>A (p.Val8Met)

Gene: MSTO1 (misato mitochondrial distribution and morphology regulator 1; plus strand). Cytogenetic location: 1q22.
Variant type: single nucleotide variant.
Coding change: c.22G>A on transcript NM_018116.4 (MANE Select); coding-DNA position 22, G replaced by A.
Protein change: p.Val8Met; replaces valine 8 with methionine.
Molecular consequence: missense variant. On other transcripts: 5 prime UTR variant (14), non-coding transcript variant (6).
Genome position (GRCh38, 1-based): chr1:155,610,270, G>A. VCF-style: chr1-155610270-G-A. GRCh37 (hg19) VCF-style: chr1-155580061-G-A.
Other names: MSTO1, VAL8MET (rs762798018); c.22G>A, p.Val8Met (NM_001256532.1, NM_001256533.1, NM_001350772.1 and 3 more transcripts); c.-266G>A (NM_001350776.1); c.-535G>A (NM_001350777.1); c.-599G>A (NM_001350778.1); c.-540G>A (NM_001350779.1); c.-651G>A (NM_001350780.1); c.-1052G>A (NM_001350781.1); and 5 more; short protein forms V8M.
Identifiers: ClinVar variation 438835 (VCV000438835.8), dbSNP rs762798018, ClinGen allele CA1147809.

ClinVar aggregate classification (germline): Conflicting classifications of pathogenicity. Review status: criteria provided, conflicting classifications (1 of 4 stars). 4 submissions from 4 submitters: Likely pathogenic (1); Uncertain significance (2). 1 of the submissions does not count toward it. Last evaluated 2023-06-22.

Conditions:
Mitochondrial myopathy-cerebellar ataxia-pigmentary retinopathy syndrome. Also called: MYOPATHY, MITOCHONDRIAL, AND ATAXIA. Identifiers: Orphanet 502423, MedGen C4540096, MONDO:0044714, OMIM 617675.

Allele frequency attached by ClinVar (database versions not stated): gnomAD exomes 0.00020; gnomAD 0.00005; ExAC 0.00030.

Submissions (4):

Neuberg Centre For Genomic Medicine, NCGM
Classification: Likely pathogenic for Mitochondrial myopathy-cerebellar ataxia-pigmentary retinopathy syndrome. Last evaluated: 2023-06-22. Review status: criteria provided, single submitter. Criteria: ACMG Guidelines, 2015. Collection method: clinical testing. Allele origin: germline. Inheritance: Autosomal recessive inheritance. Affected: yes.
Comment: The observed missense c.22G>A(p.Val8Met) variant in MSTO1 gene has been reported in heterozygous state in individuals affected with mitochondrial myopathy (Gal A, et al., 2017). The p.Val8Met variant is present with 0.02% in gnomAD Exomes. This variant has been submitted to the ClinVar database as Uncertain Significance / Pathogenic. Multiple lines of computational evidences (Polyphen - Probably damaging, SIFT - Damaging and MutationTaster - Disease causing) predict a damaging effect on protein structure and function for this variant. The reference amino acid change at this position on MSTO1 gene is predicted as conserved by GERP++ and PhyloP across 100 vertebrates. The amino acid Val at position 8 is changed to a Met changing protein sequence and it might alter its composition and physico-chemical properties. However, additional functional details will be required to prove the pathogenicity of this variant. For these reasons, this variant has been classified as Likely Pathogenic.

GeneDx
Classification: Uncertain significance. Last evaluated: 2023-05-16. Review status: criteria provided, single submitter. Criteria: GeneDx Variant Classification Process June 2021. Collection method: clinical testing. Allele origin: germline. Affected: yes.
Comment: Reported in the heterozygous state in a family with mitochondrial myopathy, ataxia, minor dysmorphisms, endocrine dysfunctions, and psychiatric symptoms (Gal et al., 2017); In silico analysis supports that this missense variant does not alter protein structure/function; This variant is associated with the following publications: (PMID: 34426522, 33672784, 30684668, 29339779, 31604776, 36468072, 33222031, 28554942)

3billion
Classification: Uncertain significance for Mitochondrial myopathy-cerebellar ataxia-pigmentary retinopathy syndrome. Last evaluated: 2022-01-03. Review status: criteria provided, single submitter. Criteria: ACMG Guidelines, 2015. Collection method: clinical testing. Allele origin: germline. Affected: yes. Observed: 1 heterozygote.
Comment: Same nucleotide change resulting in same amino acid change has been previously reported to be associated with MSTO1 related disorder (ClinVar ID: VCV000438835, PS1_P). It is observed at an extremely low frequency in the gnomAD v2.1.1 dataset (total allele frequency: 0.000175, PM2_M). In silico tool predictions suggest damaging effect of the variant on gene or gene product (REVEL: 0.644, PP3_P). Therefore, this variant is classified as uncertain significance according to the recommendation of ACMG/AMP guideline.

OMIM
Classification: Uncertain significance for RECLASSIFIED - VARIANT OF UNKNOWN SIGNIFICANCE. Last evaluated: 2023-08-28. Review status: no assertion criteria provided. Collection method: literature only. Allele origin: germline. Not counted in ClinVar's aggregate classification.

Literature cited by the submitters: PubMed 37431817 (cited by OMIM); PubMed 28554942 (cited by OMIM).